The following is an entry in ClinVar:

ClinVar aggregate classification (germline): Uncertain significance. Review status: criteria provided, multiple submitters, no conflicts (2 of 4 stars). 2 submissions from 2 submitters: Uncertain significance (2). Last evaluated 2022-02-18.

Conditions:
Autosomal recessive polycystic kidney disease (ARPKD). Also called: AR polycystic kidney disease. Identifiers: Orphanet 731, Orphanet 8378, MedGen C0085548, MeSH D017044, MONDO:0009889.

Allele frequency attached by ClinVar (database versions not stated): ExAC 0.00001; gnomAD exomes 0.00002 and 0.00003; TOPMed 0.00002; gnomAD 0.00003; ESP Exome Variant Server 0.00015.
gnomAD v4.1: 54 of 1,613,838 alleles (0.0033%); highest among the groups gnomAD compares: Non-Finnish European, 0.004%; no homozygotes.

Submissions (2):

Labcorp Genetics (formerly Invitae), Labcorp
Classification: Uncertain significance for Autosomal recessive polycystic kidney disease. Last evaluated: 2022-02-18. Review status: criteria provided, single submitter. Criteria: Invitae Variant Classification Sherloc (09022015). Collection method: clinical testing. Allele origin: germline.
Comment: This sequence change replaces methionine, which is neutral and non-polar, with valine, which is neutral and non-polar, at codon 2804 of the PKHD1 protein (p.Met2804Val). This variant is present in population databases (rs137909186, gnomAD 0.004%). This variant has not been reported in the literature in individuals affected with PKHD1-related conditions. ClinVar contains an entry for this variant (Variation ID: 598687). Advanced modeling of protein sequence and biophysical properties (such as structural, functional, and spatial information, amino acid conservation, physicochemical variation, residue mobility, and thermodynamic stability) performed at Invitae indicates that this missense variant is not expected to disrupt PKHD1 protein function. In summary, the available evidence is currently insufficient to determine the role of this variant in disease. Therefore, it has been classified as a Variant of Uncertain Significance.

Eurofins Ntd Llc (ga)
Classification: Uncertain significance. Last evaluated: 2018-09-13. Review status: criteria provided, single submitter. Criteria: EGL ClinVar v180209 classification definitions. Collection method: clinical testing. Allele origin: germline. Observed: 1 variant allele, 1 heterozygote.

NM_138694.4(PKHD1):c.8410A>G (p.Met2804Val)

Gene: PKHD1 (PKHD1 ciliary IPT domain containing fibrocystin/polyductin; minus strand). Cytogenetic location: 6p12.3.
Variant type: single nucleotide variant.
Coding change: c.8410A>G on transcript NM_138694.4 (MANE Select); coding-DNA position 8410, A replaced by G.
Protein change: p.Met2804Val; replaces methionine 2804 with valine.
Molecular consequence: missense variant.
Genome position (GRCh38, 1-based): chr6:51,791,266, T>C on the plus strand (A>G on the coding strand, the complement: PKHD1 is on the minus strand). VCF-style: chr6-51791266-T-C. GRCh37 (hg19) VCF-style: chr6-51656064-T-C.
Other names: c.8410A>G, p.Met2804Val (NM_170724.3); short protein forms M2804V.
Identifiers: ClinVar variation 598687 (VCV000598687.6), dbSNP rs137909186, ClinGen allele CA3851642.
Genomic context (GRCh38, chr6:51,791,266, plus strand): 5'-CATGCTCGCAATCCTTGTGCCTTTACTCACCAACTTTCAGCTCCCCGCCTGCAATGACCA[T>C]GCATGCCACACTCAGAACATTGCTTCTGTCCACAGGGAAGTCTAAGGTCCCCATCACATA-3'
Protein context (NP_619639.3, residues 2794-2814): DRSNVLSVAC[Met2804Val]VIAGGELKVG